The following is an entry in ClinVar:

ClinVar aggregate classification (germline): Conflicting classifications of pathogenicity. Review status: criteria provided, conflicting classifications (1 of 4 stars). 3 submissions from 3 submitters: Uncertain significance (1); Likely benign (1). 1 of the submissions does not count toward it. Last evaluated 2026-01-13.

Conditions:
NPC1-related disorder. Also called: NPC1-related condition.
Niemann-Pick disease, type C1. Also called: NIEMANN-PICK DISEASE, VARIANT TYPE C1; NEUROVISCERAL STORAGE DISEASE WITH VERTICAL SUPRANUCLEAR OPHTHALMOPLEGIA; NIEMANN-PICK DISEASE WITH CHOLESTEROL ESTERIFICATION BLOCK; NIEMANN-PICK DISEASE WITHOUT SPHINGOMYELINASE DEFICIENCY; NIEMANN-PICK DISEASE, CHRONIC NEURONOPATHIC FORM. Identifiers: Orphanet 646, MedGen C3179455, MONDO:0009757, OMIM 257220.

Allele frequency attached by ClinVar (database versions not stated): gnomAD exomes 0.00004; ExAC 0.00006; ESP Exome Variant Server 0.00008; 1000 Genomes Project 0.00020; 1000 Genomes Project 30x 0.00031.
gnomAD v4.1: 83 of 1,613,834 alleles (0.0051%); highest among the groups gnomAD compares: South Asian, 0.047%; 3 homozygotes.

Submissions (3):

Labcorp Genetics (formerly Invitae), Labcorp
Classification: Likely benign for Niemann-Pick disease, type C1. Last evaluated: 2026-01-13. Review status: criteria provided, single submitter. Criteria: Invitae Variant Classification Sherloc (09022015). Collection method: clinical testing. Allele origin: germline.

CeGaT Center for Human Genetics Tuebingen
Classification: Uncertain significance. Last evaluated: 2025-03-01. Review status: criteria provided, single submitter. Criteria: CeGaT Center For Human Genetics Tuebingen Variant Classification Criteria Version 2. Collection method: clinical testing. Allele origin: germline. Affected: yes. Observed: 1 variant allele.
Comment: NPC1: PM2:Supporting, BP4

PreventionGenetics, part of Exact Sciences
Classification: Likely benign for NPC1-related condition. Last evaluated: 2024-08-09. Review status: no assertion criteria provided. Collection method: clinical testing. Allele origin: germline. Not counted in ClinVar's aggregate classification.
Comment: This variant is classified as likely benign based on ACMG/AMP sequence variant interpretation guidelines (Richards et al. 2015 PMID: 25741868, with internal and published modifications).

NM_000271.5(NPC1):c.2912-5G>A

Gene: NPC1 (NPC intracellular cholesterol transporter 1; minus strand). Cytogenetic location: 18q11.2.
Variant type: single nucleotide variant.
Coding change: c.2912-5G>A on transcript NM_000271.5 (MANE Select); 5 bases into the intron before coding-DNA position 2912, G replaced by A.
Molecular consequence: intron variant.
Genome position (GRCh38, 1-based): chr18:23,538,676, C>T on the plus strand (G>A on the coding strand, the complement: NPC1 is on the minus strand). VCF-style: chr18-23538676-C-T. GRCh37 (hg19) VCF-style: chr18-21118640-C-T.
Other names: c.2912-5G>A (NM_000271.4).
Identifiers: ClinVar variation 1150405 (VCV001150405.17), dbSNP rs369985476, ClinGen allele CA8912912.